The following is an entry in ClinVar:

NM_000440.3(PDE6A):c.1466A>G (p.Glu489Gly)

Gene: PDE6A (phosphodiesterase 6A; minus strand). Cytogenetic location: 5q32.
Variant type: single nucleotide variant.
Coding change: c.1466A>G on transcript NM_000440.3 (MANE Select); coding-DNA position 1466, A replaced by G.
Protein change: p.Glu489Gly; replaces glutamic acid 489 with glycine.
Molecular consequence: missense variant.
Genome position (GRCh38, 1-based): chr5:149,896,718, T>C on the plus strand (A>G on the coding strand, the complement: PDE6A is on the minus strand). VCF-style: chr5-149896718-T-C. GRCh37 (hg19) VCF-style: chr5-149276281-T-C.
Other names: short protein forms E489G.
Identifiers: ClinVar variation 1357154 (VCV001357154.6), dbSNP rs2113587889, ClinGen allele CA361695885.

ClinVar aggregate classification (germline): Uncertain significance (1 of 4 stars; one submission).

Allele frequency attached by ClinVar (database versions not stated): gnomAD exomes below 0.00001.
gnomAD v4.1: 1 of 1,614,190 alleles (0.000062%); highest among the groups gnomAD compares: South Asian, 0.0011%; no homozygotes.

Submission:

Labcorp Genetics (formerly Invitae), Labcorp
Classification: Uncertain significance. Last evaluated: 2021-12-08. Review status: criteria provided, single submitter. Criteria: Invitae Variant Classification Sherloc (09022015). Collection method: clinical testing. Allele origin: germline.
Comment: Algorithms developed to predict the effect of missense changes on protein structure and function are either unavailable or do not agree on the potential impact of this missense change (SIFT: "Deleterious"; PolyPhen-2: "Benign"; Align-GVGD: "Class C0"). This variant has not been reported in the literature in individuals affected with PDE6A-related conditions. This variant is not present in population databases (gnomAD no frequency). This sequence change replaces glutamic acid, which is acidic and polar, with glycine, which is neutral and non-polar, at codon 489 of the PDE6A protein (p.Glu489Gly). In summary, the available evidence is currently insufficient to determine the role of this variant in disease. Therefore, it has been classified as a Variant of Uncertain Significance.